The following is an entry in ClinVar:

ClinVar aggregate classification (germline): Uncertain significance (1 of 4 stars; one submission).

Conditions:
KIF11-related disorder. Also called: KIF11-related condition.

gnomAD v4.1: 15 of 1,590,672 alleles (0.00094%); highest among the groups gnomAD compares: Non-Finnish European, 0.0013%; no homozygotes.

Submission:

PreventionGenetics, part of Exact Sciences
Classification: Uncertain significance for KIF11-related condition. Last evaluated: 2026-05-08. Review status: criteria provided, single submitter. Criteria: ACMG Guidelines, 2015. Collection method: clinical testing. Allele origin: germline.
Comment: The KIF11 c.1974C>A variant is predicted to result in the amino acid substitution p.Phe658Leu. To our knowledge, this variant has not been reported in the literature. This variant is reported in 0.0019% of alleles in individuals of European (Non-Finnish) descent in gnomAD. At this time, the clinical significance of this variant is uncertain due to the absence of conclusive functional and genetic evidence.

NM_004523.4(KIF11):c.1974C>A (p.Phe658Leu)

Gene: KIF11 (kinesin family member 11; plus strand). Cytogenetic location: 10q23.33.
Variant type: single nucleotide variant.
Coding change: c.1974C>A on transcript NM_004523.4 (MANE Select); coding-DNA position 1974, C replaced by A.
Protein change: p.Phe658Leu; replaces phenylalanine 658 with leucine.
Molecular consequence: missense variant.
Genome position (GRCh38, 1-based): chr10:92,637,282, C>A. VCF-style: chr10-92637282-C-A. GRCh37 (hg19) VCF-style: chr10-94397039-C-A.
Other names: short protein forms F658L.
Identifiers: ClinVar variation 4977053 (VCV004977053.1).
Genomic context (GRCh38, chr10:92,637,282, plus strand): 5'-GATTTTATCCCCAACTGTGGTGTCTATACTGAAAATCAATAGTCAACTAAAGCATATTTT[C>A]AAGACTTCATTGACAGTGGCCGATAAGGTAACAAATGCTATGTTCTTAATATCTCAAAAT-3'
Protein context (NP_004514.2, residues 648-668): LKINSQLKHI[Phe658Leu]KTSLTVADKI